The following is an entry in ClinVar:

NM_002547.3(OPHN1):c.1867A>G (p.Ile623Val)

Gene: OPHN1 (oligophrenin 1; minus strand). Cytogenetic location: Xq12.
Variant type: single nucleotide variant.
Coding change: c.1867A>G on transcript NM_002547.3 (MANE Select); coding-DNA position 1867, A replaced by G.
Protein change: p.Ile623Val; replaces isoleucine 623 with valine.
Molecular consequence: missense variant.
Genome position (GRCh38, 1-based): chrX:68,064,145, T>C on the plus strand (A>G on the coding strand, the complement: OPHN1 is on the minus strand). VCF-style: chrX-68064145-T-C. GRCh37 (hg19) VCF-style: chrX-67283987-T-C.
Other names: short protein forms I623V.
Identifiers: ClinVar variation 1309983 (VCV001309983.2), dbSNP rs2147360438, ClinGen allele CA413431076.

ClinVar aggregate classification (germline): Uncertain significance (1 of 4 stars; one submission).

Submission:

GeneDx
Classification: Uncertain significance. Last evaluated: 2019-11-21. Review status: criteria provided, single submitter. Criteria: GeneDx Variant Classification Process June 2021. Collection method: clinical testing. Allele origin: germline. Affected: yes.
Comment: Not observed in large population cohorts (Lek et al., 2016); In silico analysis, which includes protein predictors and evolutionary conservation, supports that this variant does not alter protein structure/function; Has not been previously published as pathogenic or benign to our knowledge